The following is an entry in ClinVar:

ClinVar aggregate classification (germline): Uncertain significance. Review status: criteria provided, multiple submitters, no conflicts (2 of 4 stars). 3 submissions from 3 submitters: Uncertain significance (3). Last evaluated 2023-03-24.

Conditions:
Inborn genetic diseases. Identifiers: MedGen C0950123, MeSH D030342.
Charcot-Marie-Tooth disease axonal type 2S. Also called: CHARCOT-MARIE-TOOTH DISEASE, AXONAL, AUTOSOMAL RECESSIVE, TYPE 2S; CHARCOT-MARIE-TOOTH NEUROPATHY, TYPE 2S. Identifiers: Orphanet 443073, MedGen C4015349, MONDO:0014511, OMIM 616155.
Autosomal recessive distal spinal muscular atrophy 1. Also called: NEURONOPATHY, SEVERE INFANTILE AXONAL, WITH RESPIRATORY FAILURE; SEVERE INFANTILE AXONAL NEUROPATHY WITH RESPIRATORY FAILURE; SPINAL MUSCULAR ATROPHY, DIAPHRAGMATIC; HMN VI; NEURONOPATHY, DISTAL HEREDITARY MOTOR, HARDING TYPE VI; NEUROPATHY, DISTAL HEREDITARY MOTOR, AUTOSOMAL RECESSIVE 1. Identifiers: Orphanet 98920, MedGen C1858517, MONDO:0011436, OMIM 604320.

Allele frequency attached by ClinVar (database versions not stated): ExAC 0.00001; gnomAD 0.00002 and 0.00003; gnomAD exomes 0.00002 and 0.00005; TOPMed 0.00002.
gnomAD v4.1: 69 of 1,611,988 alleles (0.0043%); highest among the groups gnomAD compares: Non-Finnish European, 0.0058%; no homozygotes.

Submissions (3):

Ambry Genetics
Classification: Uncertain significance for Inborn genetic diseases. Last evaluated: 2023-03-24. Review status: criteria provided, single submitter. Criteria: Ambry Variant Classification Scheme 2023. Collection method: clinical testing. Allele origin: germline.

Labcorp Genetics (formerly Invitae), Labcorp
Classification: Uncertain significance for Autosomal recessive distal spinal muscular atrophy 1; Charcot-Marie-Tooth disease axonal type 2S. Last evaluated: 2021-09-01. Review status: criteria provided, single submitter. Criteria: Invitae Variant Classification Sherloc (09022015). Collection method: clinical testing. Allele origin: germline.
Comment: This sequence change replaces leucine with phenylalanine at codon 475 of the IGHMBP2 protein (p.Leu475Phe). The leucine residue is highly conserved and there is a small physicochemical difference between leucine and phenylalanine. This variant is present in population databases (rs776158939, ExAC 0.002%). This variant has not been reported in the literature in individuals affected with IGHMBP2-related conditions. Algorithms developed to predict the effect of missense changes on protein structure and function are either unavailable or do not agree on the potential impact of this missense change (SIFT: "Deleterious"; PolyPhen-2: "Probably Damaging"; Align-GVGD: "Class C0"). In summary, the available evidence is currently insufficient to determine the role of this variant in disease. Therefore, it has been classified as a Variant of Uncertain Significance.

Revvity Omics, Revvity
Classification: Uncertain significance. Last evaluated: 2020-02-25. Review status: criteria provided, single submitter. Criteria: ACMG Guidelines, 2015. Collection method: clinical testing. Allele origin: germline.

NM_002180.3(IGHMBP2):c.1423C>T (p.Leu475Phe)

Gene: IGHMBP2 (immunoglobulin mu DNA binding protein 2; plus strand). Cytogenetic location: 11q13.3.
Variant type: single nucleotide variant.
Coding change: c.1423C>T on transcript NM_002180.3 (MANE Select); coding-DNA position 1423, C replaced by T.
Protein change: p.Leu475Phe; replaces leucine 475 with phenylalanine.
Molecular consequence: missense variant.
Genome position (GRCh38, 1-based): chr11:68,933,799, C>T. VCF-style: chr11-68933799-C-T. GRCh37 (hg19) VCF-style: chr11-68701267-C-T.
Other names: short protein forms L475F.
Identifiers: ClinVar variation 854529 (VCV000854529.11), dbSNP rs776158939, ClinGen allele CA6153645.
Genomic context (GRCh38, chr11:68,933,799, plus strand): 5'-GGCCTCAGTGCTGCACTGTGGCCCCCTGATGTGCTCCCTCTCTGCCTGTGTGCCAGGGAC[C>T]TCCCAGGTGTGGCTGCCACAGAAGAGACGGGTGTGCCCCTGCTCTTGGTGGACACCGCCG-3'
Protein context (NP_002171.2, residues 465-485): SSVARHLLRD[Leu475Phe]PGVAATEETG